The following is an entry in ClinVar:

ClinVar aggregate classification (germline): Uncertain significance (1 of 4 stars; one submission).

Conditions:
BBS12-related disorder. Also called: BBS12-related condition.

Submission:

PreventionGenetics, part of Exact Sciences
Classification: Uncertain significance for BBS12-related condition. Last evaluated: 2026-02-10. Review status: criteria provided, single submitter. Criteria: ACMG Guidelines, 2015. Collection method: clinical testing. Allele origin: germline.
Comment: The BBS12 c.1987T>C variant is predicted to result in the amino acid substitution p.Tyr663His. To our knowledge, this variant has not been reported in the literature or in a large population database (gnomAD), indicating this variant is rare. At this time, the clinical significance of this variant is uncertain due to the absence of conclusive functional and genetic evidence.

NM_152618.3(BBS12):c.1987T>C (p.Tyr663His)

Gene: BBS12 (Bardet-Biedl syndrome 12; plus strand). Cytogenetic location: 4q27.
Variant type: single nucleotide variant.
Coding change: c.1987T>C on transcript NM_152618.3 (MANE Select); coding-DNA position 1987, T replaced by C.
Protein change: p.Tyr663His; replaces tyrosine 663 with histidine.
Molecular consequence: missense variant.
Genome position (GRCh38, 1-based): chr4:122,743,879, T>C. VCF-style: chr4-122743879-T-C. GRCh37 (hg19) VCF-style: chr4-123665034-T-C.
Other names: c.1987T>C, p.Tyr663His (NM_001178007.2); short protein forms Y663H.
Identifiers: ClinVar variation 4994858 (VCV004994858.1).
Genomic context (GRCh38, chr4:122,743,879, plus strand): 5'-CTAAATAGTAGAATTTTTAATTCAGACATTTCAAATAAACTGGAGCAGATTCCGAGAGTT[T>C]ATGACGTTGTTACACCAAAGATTGAGGCGTGGCGCCGAGCATTGGATTTAGTATTGTTAG-3'
Protein context (NP_689831.2, residues 653-673): SNKLEQIPRV[Tyr663His]DVVTPKIEAW